The following is an entry in ClinVar:

NM_139318.5(KCNH5):c.1120G>A (p.Glu374Lys)

Gene: KCNH5 (potassium voltage-gated channel subfamily H member 5; minus strand). Cytogenetic location: 14q23.2.
Variant type: single nucleotide variant.
Coding change: c.1120G>A on transcript NM_139318.5 (MANE Select); coding-DNA position 1120, G replaced by A.
Protein change: p.Glu374Lys; replaces glutamic acid 374 with lysine.
Molecular consequence: missense variant.
Genome position (GRCh38, 1-based): chr14:62,950,382, C>T on the plus strand (G>A on the coding strand, the complement: KCNH5 is on the minus strand). VCF-style: chr14-62950382-C-T. GRCh37 (hg19) VCF-style: chr14-63417100-C-T.
Other names: c.1120G>A, p.Glu374Lys (NM_172375.3); short protein forms E374K.
Identifiers: ClinVar variation 940401 (VCV000940401.12), dbSNP rs1889977806, ClinGen allele CA390103226.

ClinVar aggregate classification (germline): Conflicting classifications of pathogenicity. Review status: criteria provided, conflicting classifications (1 of 4 stars). 2 submissions from 2 submitters: Uncertain significance (1); Likely benign (1). Last evaluated 2026-02-27.

Conditions:
Early-infantile DEE. Also called: Early infantile epileptic encephalopathy; Early infantile epileptic encephalopathy with suppression bursts; Ohtahara syndrome. Identifiers: Orphanet 1934, MedGen C0393706, MONDO:0800491.
Developmental and epileptic encephalopathy 112. Identifiers: MedGen C5882700, MONDO:0957812, OMIM 620537.

Allele frequency attached by ClinVar (database versions not stated): gnomAD exomes 0.00001.
gnomAD v4.1: 3 of 1,613,964 alleles (0.00019%); highest among the groups gnomAD compares: Non-Finnish European, 0.00025%; no homozygotes.

Submissions (2):

Dasa
Classification: Uncertain significance for Developmental and epileptic encephalopathy 112. Last evaluated: 2026-02-27. Review status: criteria provided, single submitter. Criteria: DASA Assertion Criteria. Collection method: clinical testing. Allele origin: germline.
Comment: NM_139318.5(KCNH5):c.1120G>A (p.Glu374Lys) is a missense variant that results in the substitution of glutamic acid with lysine. This variant is rare in population databases. Computational prediction algorithms are consistent with a deleterious effect. The currently available literature and clinical evidence are not sufficient to establish a definitive association between this variant and the reported condition. Therefore, this variant is classified as a variant of uncertain significance.

Labcorp Genetics (formerly Invitae), Labcorp
Classification: Likely benign for Early-infantile DEE. Last evaluated: 2022-09-07. Review status: criteria provided, single submitter. Criteria: Invitae Variant Classification Sherloc (09022015). Collection method: clinical testing. Allele origin: germline.